The following is an entry in ClinVar:

NM_000238.4(KCNH2):c.2788A>C (p.Ser930Arg)

Gene: KCNH2 (potassium voltage-gated channel subfamily H member 2; minus strand). Cytogenetic location: 7q36.1.
Variant type: single nucleotide variant.
Coding change: c.2788A>C on transcript NM_000238.4 (MANE Select); coding-DNA position 2788, A replaced by C.
Protein change: p.Ser930Arg; replaces serine 930 with arginine.
Molecular consequence: missense variant.
Genome position (GRCh38, 1-based): chr7:150,947,783, T>G on the plus strand (A>C on the coding strand, the complement: KCNH2 is on the minus strand). VCF-style: chr7-150947783-T-G. GRCh37 (hg19) VCF-style: chr7-150644871-T-G.
Other names: p.S930R:AGC>CGC; c.2500A>C, p.Ser834Arg (NM_001406753.1); c.1768A>C, p.Ser590Arg (NM_172057.3); short protein forms S590R, S930R, S834R.
Identifiers: ClinVar variation 200503 (VCV000200503.8), dbSNP rs794728400, ClinGen allele CA007448.

ClinVar aggregate classification (germline): Uncertain significance. Review status: criteria provided, multiple submitters, no conflicts (2 of 4 stars). 2 submissions from 2 submitters: Uncertain significance (2). Last evaluated 2022-07-15.

Conditions:
Long QT syndrome (LQTS). Identifiers: MedGen C0023976, MeSH D008133, MONDO:0002442. Disease mechanism: loss of function. Inheritance: Various modes of inheritance.

Allele frequency attached by ClinVar (database versions not stated): gnomAD 0.00001; gnomAD exomes below 0.00001; TOPMed below 0.00001.
gnomAD v4.1: 5 of 1,535,106 alleles (0.00033%); highest among the groups gnomAD compares: Non-Finnish European, 0.00044%; no homozygotes.

Submissions (2):

Labcorp Genetics (formerly Invitae), Labcorp
Classification: Uncertain significance for Long QT syndrome. Last evaluated: 2022-07-15. Review status: criteria provided, single submitter. Criteria: Invitae Variant Classification Sherloc (09022015). Collection method: clinical testing. Allele origin: germline.
Comment: This sequence change replaces serine, which is neutral and polar, with arginine, which is basic and polar, at codon 930 of the KCNH2 protein (p.Ser930Arg). This variant is not present in population databases (gnomAD no frequency). This variant has not been reported in the literature in individuals affected with KCNH2-related conditions. ClinVar contains an entry for this variant (Variation ID: 200503). Algorithms developed to predict the effect of missense changes on protein structure and function are either unavailable or do not agree on the potential impact of this missense change (SIFT: "Tolerated"; PolyPhen-2: "Possibly Damaging"; Align-GVGD: "Class C0"). In summary, the available evidence is currently insufficient to determine the role of this variant in disease. Therefore, it has been classified as a Variant of Uncertain Significance.

GeneDx
Classification: Uncertain significance. Last evaluated: 2014-05-14. Review status: criteria provided, single submitter. Criteria: GeneDx Variant Classification (06012015). Collection method: clinical testing. Allele origin: germline. Affected: yes.
Comment: p.Ser930Arg (AGC>CGC): c.2788 A>C in exon 12 of the KCNH2 gene (NM_000238.2). A variant of unknown significance has been identified in the KCNH2 gene. The S930R variant has not been published as a mutation, nor has it been reported as a benign polymorphism to our knowledge. The S930R variant is a semi-conservative amino acid substitution, which may impact secondary protein structure as these residues differ in some properties. However, this substitution occurs at a position that is only moderately conserved across species. In silico analysis is inconsistent in its predictions as to whether or not the variant is damaging to the protein structure/function. Nevertheless, missense mutations in nearby residues (G924E, G924A, G925R, S937N) have been reported in association with LQTS, supporting the functional importance of this region of the protein. Finally, the S930R variant was not observed in approximately 4,800 individuals of European and African American ancestry in the NHLBI Exome Sequencing Project, indicating it is not a common benign variant in these populations. Therefore, based on the currently available information, it is unclear whether this variant is a pathogenic mutation or a rare benign variant. The variant is found in LQT panel(s).